The following is an entry in ClinVar:

NM_005219.5(DIAPH1):c.3230C>G (p.Pro1077Arg)

Gene: DIAPH1 (diaphanous related formin 1; minus strand). Cytogenetic location: 5q31.3.
Variant type: single nucleotide variant.
Coding change: c.3230C>G on transcript NM_005219.5 (MANE Select); coding-DNA position 3230, C replaced by G.
Protein change: p.Pro1077Arg; replaces proline 1077 with arginine.
Molecular consequence: missense variant.
Genome position (GRCh38, 1-based): chr5:141,527,616, G>C on the plus strand (C>G on the coding strand, the complement: DIAPH1 is on the minus strand). VCF-style: chr5-141527616-G-C. GRCh37 (hg19) VCF-style: chr5-140907183-G-C.
Other names: c.3203C>G, p.Pro1068Arg (NM_001079812.3); c.3230C>G, p.Pro1077Arg (NM_001314007.2); short protein forms P1077R, P1068R.
Identifiers: ClinVar variation 163067 (VCV000163067.14), dbSNP rs376593325, ClinGen allele CA175655.

ClinVar aggregate classification (germline): Uncertain significance. Review status: criteria provided, multiple submitters, no conflicts (2 of 4 stars). 3 submissions from 3 submitters: Uncertain significance (3). Last evaluated 2026-01-13.

Conditions:
Autosomal dominant nonsyndromic hearing loss 1. Also called: DEAFNESS, AUTOSOMAL DOMINANT 1, WITH OR WITHOUT THROMBOCYTOPENIA; KONIGSMARK SYNDROME. Identifiers: Orphanet 90635, MedGen C1852282, MONDO:0007424, OMIM 124900.
Progressive microcephaly-seizures-cortical blindness-developmental delay syndrome. Also called: Seizures, cortical blindness, and microcephaly syndrome. Identifiers: Orphanet 477814, MedGen C5567650, MONDO:0014714, OMIM 616632.

Allele frequency attached by ClinVar (database versions not stated): gnomAD exomes 0.00001 and 0.00003; ExAC 0.00004; ESP Exome Variant Server 0.00008; gnomAD 0.00012 and 0.00013.
gnomAD v4.1: 29 of 1,610,580 alleles (0.0018%); highest among the groups gnomAD compares: African/African-American, 0.039%; no homozygotes.

Submissions (3):

Labcorp Genetics (formerly Invitae), Labcorp
Classification: Uncertain significance for Progressive microcephaly-seizures-cortical blindness-developmental delay syndrome; Autosomal dominant nonsyndromic hearing loss 1. Last evaluated: 2026-01-13. Review status: criteria provided, single submitter. Criteria: Invitae Variant Classification Sherloc (09022015). Collection method: clinical testing. Allele origin: germline.
Comment: This sequence change replaces proline, which is neutral and non-polar, with arginine, which is basic and polar, at codon 1077 of the DIAPH1 protein (p.Pro1077Arg). This variant is present in population databases (rs376593325, gnomAD 0.05%). This variant has not been reported in the literature in individuals affected with DIAPH1-related conditions. ClinVar contains an entry for this variant (Variation ID: 163067). An algorithm developed to predict the effect of missense changes on protein structure and function (PolyPhen-2) suggests that this variant is likely to be disruptive. In summary, the available evidence is currently insufficient to determine the role of this variant in disease. Therefore, it has been classified as a Variant of Uncertain Significance.

Eurofins Ntd Llc (ga)
Classification: Uncertain significance. Last evaluated: 2016-10-14. Review status: criteria provided, single submitter. Criteria: EGL Classification Definitions 2015. Collection method: clinical testing. Allele origin: germline. Observed: 1 variant allele, 1 heterozygote.

Laboratory for Molecular Medicine, Mass General Brigham Personalized Medicine
Classification: Uncertain significance. Last evaluated: 2013-11-19. Review status: criteria provided, single submitter. Criteria: LMM Criteria. Collection method: clinical testing. Allele origin: germline. Observed: 1 variant allele.
Comment: The Pro1077Arg variant in DIAPH1 has been identified in 0.027% (1/3664) of Afric an American chromosomes from a broad population by the NHLBI Exome Sequencing Pr oject (dbSNP rs376593325). Computational analy ses (biochemical amino acid properties, conservation, AlignGVGD, PolyPhen2, and SIFT) do not provide strong support for or against an impact to the protein. In summary, additional data is needed to determine the clinical significance of thi s variant.